The following is an entry in ClinVar:

ClinVar aggregate classification (germline): Likely pathogenic (1 of 4 stars; one submission).

Submission:

GeneDx
Classification: Likely pathogenic. Last evaluated: 2021-01-04. Review status: criteria provided, single submitter. Criteria: GeneDx Variant Classification Process June 2021. Collection method: clinical testing. Allele origin: germline. Affected: yes.
Comment: Nonsense variant predicted to result in protein truncation or nonsense mediated decay in a gene for which loss-of-function is a known mechanism of disease; Not observed in large population cohorts (Lek et al., 2016); Has not been previously published as pathogenic or benign to our knowledge

NM_001199107.2(TBC1D24):c.574C>T (p.Gln192Ter)

Gene: TBC1D24 (TBC1 domain family member 24; plus strand). Cytogenetic location: 16p13.3.
Variant type: single nucleotide variant.
Coding change: c.574C>T on transcript NM_001199107.2 (MANE Select); coding-DNA position 574, C replaced by T.
Protein change: p.Gln192Ter; replaces glutamine 192 with a stop codon.
Molecular consequence: nonsense.
Genome position (GRCh38, 1-based): chr16:2,496,722, C>T. VCF-style: chr16-2496722-C-T. GRCh37 (hg19) VCF-style: chr16-2546723-C-T.
Other names: c.574C>T, p.Gln192Ter (NM_020705.3); short protein forms Q192*.
Identifiers: ClinVar variation 1220318 (VCV001220318.3), dbSNP rs2141871997, ClinGen allele CA394376633.
Genomic context (GRCh38, chr16:2,496,722, plus strand): 5'-AGCTTCCTGGCCTTTGAGTCGTCCTGCATGACGTTTGGGGACCTGGTGAACAAGTACTGC[C>T]AGGCGGCCCACAAGCTGATGGTGGCCGTGTCGGAGGATGTCCTGCAGGTCTATGCGGACT-3'